The following is an entry in ClinVar:

ClinVar aggregate classification (germline): Likely benign. Review status: criteria provided, multiple submitters, no conflicts (2 of 4 stars). 3 submissions from 3 submitters: Likely benign (3). Last evaluated 2026-05-28.

Conditions:
MARS1-related disorder. Also called: MARS1-related condition.
Charcot-Marie-Tooth disease axonal type 2U. Also called: CHARCOT-MARIE-TOOTH DISEASE, AXONAL, AUTOSOMAL DOMINANT, TYPE 2U; CHARCOT-MARIE-TOOTH NEUROPATHY, TYPE 2U. Identifiers: Orphanet 397735, MedGen C4084821, MONDO:0014566, OMIM 616280.
Severe early-onset pulmonary alveolar proteinosis due to MARS deficiency. Also called: PULMONARY ALVEOLAR PROTEINOSIS, REUNION ISLAND; Interstitial lung and liver disease. Identifiers: Orphanet 440427, MedGen C4225400, MONDO:0014206, OMIM 615486.

Allele frequency attached by ClinVar (database versions not stated): gnomAD exomes 0.00006 and 0.00023; gnomAD 0.00007 and 0.00008; TOPMed 0.00008; ExAC 0.00016; 1000 Genomes Project 0.00040; 1000 Genomes Project 30x 0.00047.
gnomAD v4.1: 93 of 1,613,936 alleles (0.0058%); highest among the groups gnomAD compares: East Asian, 0.2%; no homozygotes.

Submissions (3):

PreventionGenetics, part of Exact Sciences
Classification: Likely benign for MARS1-related condition. Last evaluated: 2026-05-28. Review status: criteria provided, single submitter. Criteria: ACMG Guidelines, 2015. Collection method: clinical testing. Allele origin: germline.
Comment: This variant is classified as likely benign based on ACMG/AMP sequence variant interpretation guidelines (Richards et al. 2015 PMID: 25741868, with internal and published modifications).

Labcorp Genetics (formerly Invitae), Labcorp
Classification: Likely benign for Charcot-Marie-Tooth disease axonal type 2U; Severe early-onset pulmonary alveolar proteinosis due to MARS deficiency. Last evaluated: 2025-07-28. Review status: criteria provided, single submitter. Criteria: Invitae Variant Classification Sherloc (09022015). Collection method: clinical testing. Allele origin: germline.

Ambry Genetics
Classification: Likely benign. Last evaluated: 2020-05-15. Review status: criteria provided, single submitter. Criteria: Ambry Variant Classification Scheme 2023. Collection method: clinical testing. Allele origin: germline.

NM_004990.4(MARS1):c.238C>T (p.Leu80Phe)

Gene: MARS1 (methionyl-tRNA synthetase 1; plus strand). Cytogenetic location: 12q13.3.
Variant type: single nucleotide variant.
Coding change: c.238C>T on transcript NM_004990.4 (MANE Select); coding-DNA position 238, C replaced by T.
Protein change: p.Leu80Phe; replaces leucine 80 with phenylalanine.
Molecular consequence: missense variant.
Genome position (GRCh38, 1-based): chr12:57,489,304, C>T. VCF-style: chr12-57489304-C-T. GRCh37 (hg19) VCF-style: chr12-57883087-C-T.
Other names: short protein forms L80F.
Identifiers: ClinVar variation 1093376 (VCV001093376.12), dbSNP rs190598622, ClinGen allele CA6650105.
Genomic context (GRCh38, chr12:57,489,304, plus strand): 5'-TCTGTTGCTCTCTCTCTGGGCAGATATTTTTTTTTGTTATCTGGCTGGGAGCAAGATGAC[C>T]TCACTAACCAGTGGCTGGAATGGGAAGCGACAGAGCTGCAGGTAGGACTAAGGTATGGGG-3'
Protein context (NP_004981.2, residues 70-90): FLLSGWEQDD[Leu80Phe]TNQWLEWEAT